The following is an entry in ClinVar:

ClinVar aggregate classification (germline): Pathogenic/Likely pathogenic. Review status: criteria provided, multiple submitters, no conflicts (2 of 4 stars). 4 submissions from 4 submitters: Pathogenic (2); Likely pathogenic (1). 1 of the submissions does not count toward it. Last evaluated 2025-10-28.

Conditions:
Hereditary cancer-predisposing syndrome. Also called: Neoplastic Syndromes, Hereditary; Tumor predisposition; Hereditary neoplastic syndrome; Hereditary Cancer Syndrome. Identifiers: Orphanet 140162, MedGen C0027672, MeSH D009386, MONDO:0015356.
Neurofibromatosis, type 2 (SWNV). Also called: BILATERAL ACOUSTIC NEUROFIBROMATOSIS; NF2-Related Schwannomatosis; SCHWANNOMATOSIS, VESTIBULAR. Identifiers: Orphanet 637, MedGen C0027832, MONDO:0007039, OMIM 101000. Disease mechanism: loss of function.
Acoustic neuroma. Also called: Vestibular schwannoma; Vestibular schwannoma (disease). Identifiers: Orphanet 252175, MedGen C0027859, MONDO:0001569, HP:0009588.

Submissions (4):

Labcorp Genetics (formerly Invitae), Labcorp
Classification: Pathogenic for Neurofibromatosis, type 2. Last evaluated: 2025-10-28. Review status: criteria provided, single submitter. Criteria: Invitae Variant Classification Sherloc (09022015). Collection method: clinical testing. Allele origin: germline.
Comment: This sequence change affects a donor splice site in intron 2 of the NF2 gene. It is expected to disrupt RNA splicing. Variants that disrupt the donor or acceptor splice site typically lead to a loss of protein function (PMID: 16199547), and loss-of-function variants in NF2 are known to be pathogenic (PMID: 9643284, 16983642). This variant is not present in population databases (gnomAD no frequency). Disruption of this splice site has been observed in individuals with neurofibromatosis type 2 (PMID: 8379998). This variant is also known as junction 80/81aggt to agtt. ClinVar contains an entry for this variant (Variation ID: 3283). Algorithms developed to predict the effect of sequence changes on RNA splicing suggest that this variant may disrupt the consensus splice site. For these reasons, this variant has been classified as Pathogenic.

Institute of Medical Genetics and Applied Genomics, University Hospital Tübingen
Classification: Likely pathogenic for Acoustic neuroma. Last evaluated: 2025-04-03. Review status: criteria provided, single submitter. Criteria: ACMG Guidelines, 2015. Collection method: clinical testing. Allele origin: germline. Inheritance: Autosomal dominant inheritance. Affected: yes.

Ambry Genetics
Classification: Pathogenic for Hereditary cancer-predisposing syndrome. Last evaluated: 2024-12-13. Review status: criteria provided, single submitter. Criteria: Ambry Variant Classification Scheme 2023. Collection method: clinical testing. Allele origin: germline.
Comment: The c.240+1G>T intronic pathogenic mutation results from a G to T substitution one nucleotide after coding exon 2 of the NF2 gene. Alterations that disrupt the canonical splice site are expected to result in aberrant splicing. In silico splice site analysis predicts that this alteration will weaken the native splice donor site and may result in the creation or strengthening of a novel splice donor site. A resulting transcript is predicted to be in-frame and is not expected to trigger nonsense-mediated mRNAdecay; although, direct evidence is unavailable. However, the region predicted to be impacted is critical for protein function (Ambry internal data). This variant was reported in individual(s) with features consistent with NF2-related schwannomatosis (Rouleau GA et al. Nature, 1993 Jun;363:515-21; Ambry internal data).This variant is considered to be rare based on population cohorts in the Genome Aggregation Database (gnomAD). This nucleotide position is highly conserved in available vertebrate species. Based on the supporting evidence, this variant is interpreted as a disease-causing mutation.

OMIM
Classification: Pathogenic for SHWANNOMATOSIS, VESTIBULAR. Last evaluated: 1993-06-10. Review status: no assertion criteria provided. Collection method: literature only. Allele origin: germline. Not counted in ClinVar's aggregate classification.

Literature cited by the submitters: PubMed 16199547 (cited by Labcorp Genetics (formerly Invitae), Labcorp); PubMed 9643284 (cited by Labcorp Genetics (formerly Invitae), Labcorp); PubMed 16983642 (cited by Labcorp Genetics (formerly Invitae), Labcorp); PubMed 8379998 (cited by 3 submitters).

NM_000268.4(NF2):c.240+1G>T

Gene: NF2 (NF2, moesin-ezrin-radixin like (MERLIN) tumor suppressor; plus strand). Cytogenetic location: 22q12.2.
Variant type: single nucleotide variant.
Coding change: c.240+1G>T on transcript NM_000268.4 (MANE Select); the canonical splice donor site of the intron after coding-DNA position 240, G replaced by T.
Molecular consequence: splice donor variant. On other transcripts: 5 prime UTR variant (1), intron variant (6).
Genome position (GRCh38, 1-based): chr22:29,636,877, G>T. VCF-style: chr22-29636877-G-T. GRCh37 (hg19) VCF-style: chr22-30032866-G-T.
Other names: IVS2, G-T, +1; c.-16G>T (NM_001407067.1); c.240+1G>T (NM_016418.5, NM_181832.3, NM_001407060.1 and 10 more transcripts); c.126+1G>T (NM_001407056.1, NM_001407053.1); c.-401+1G>T (NM_001407065.1); c.115-2213G>T (NM_181828.3, NM_001407055.1); c.115-5325G>T (NM_001407063.1, NM_181830.3, NM_001407064.1 and 1 more transcripts).
Identifiers: ClinVar variation 3283 (VCV000003283.9), dbSNP rs587776562, ClinGen allele CA021419.